The following is an entry in ClinVar:

NM_000516.7(GNAS):c.15G>A (p.Gly5=)

Gene: GNAS (GNAS complex locus; plus strand). Cytogenetic location: 20q13.32.
Variant type: single nucleotide variant.
Coding change: c.15G>A on transcript NM_000516.7 (MANE Select); coding-DNA position 15, G replaced by A.
Protein change: p.Gly5=; no amino-acid change (glycine 5 retained).
Molecular consequence: synonymous variant. On other transcripts: intron variant (8).
Genome position (GRCh38, 1-based): chr20:58,891,741, G>A. VCF-style: chr20-58891741-G-A. GRCh37 (hg19) VCF-style: chr20-57466796-G-A.
Other names: c.15G>A (NM_000516.5); c.15G>A, p.Gly5= (NM_001077488.5, NM_001077489.4, NM_001309842.2 and 1 more transcripts); c.*43-3871G>A (NM_016592.5); c.44-3871G>A (NM_001410912.1); c.-38-3871G>A (NM_001309861.2); c.*1-3871G>A (NM_001077490.3); c.2069-3871G>A (NM_080425.4, NM_001410913.1); c.*159-3871G>A (NM_001309883.1); and 1 more.
Identifiers: ClinVar variation 2886557 (VCV002886557.5), dbSNP rs1236978959, ClinGen allele CA2518070840.
Genomic context (GRCh38, chr20:58,891,741, plus strand): 5'-CGCCGCCGCCGCAGCCCGGCCGCGCCCCGCCGCCGCCGCCGCCGCCATGGGCTGCCTCGG[G>A]AACAGTAAGACCGAGGACCAGCGCAACGAGGAGAAGGCGCAGCGTGAGGCCAACAAAAAG-3'
Protein context (NP_000507.1, residues 1-15): MGCL[Gly5=]NSKTEDQRNE

ClinVar aggregate classification (germline): Likely benign. Review status: criteria provided, single submitter (1 of 4 stars). 2 submissions from 2 submitters: Likely benign (1). 1 of the submissions does not count toward it. Last evaluated 2023-10-04.

Conditions:
GNAS-related disorder. Identifiers: MedGen CN380105.

Submissions (2):

Labcorp Genetics (formerly Invitae), Labcorp
Classification: Likely benign. Last evaluated: 2023-10-04. Review status: criteria provided, single submitter. Criteria: Invitae Variant Classification Sherloc (09022015). Collection method: clinical testing. Allele origin: germline.

PreventionGenetics, part of Exact Sciences
Classification: Likely benign for GNAS-related condition. Last evaluated: 2021-02-02. Review status: no assertion criteria provided. Collection method: clinical testing. Allele origin: germline. Not counted in ClinVar's aggregate classification.
Comment: This variant is classified as likely benign based on ACMG/AMP sequence variant interpretation guidelines (Richards et al. 2015 PMID: 25741868, with internal and published modifications).